The following is an entry in ClinVar:

NM_001791.4(CDC42):c.487-1465T>A

Genes: CDC42 (cell division cycle 42; plus strand), LOC122056785 (Sharpr-MPRA regulatory region 8542; plus strand). Cytogenetic location: 1p36.12.
Variant type: single nucleotide variant.
Coding change: c.487-1465T>A on transcript NM_001791.4 (MANE Select); 1465 bases into the intron before coding-DNA position 487, T replaced by A.
Molecular consequence: intron variant. On other transcripts: missense variant (1).
Genome position (GRCh38, 1-based): chr1:22,089,963, T>A. VCF-style: chr1-22089963-T-A. GRCh37 (hg19) VCF-style: chr1-22416456-T-A.
Other names: c.507T>A, p.Phe169Leu (NM_044472.3); c.487-1465T>A (NM_001039802.2); short protein forms F169L.
Identifiers: ClinVar variation 2585294 (VCV002585294.1), dbSNP rs2522245188, ClinGen allele CA338909003.
Genomic context (GRCh38, chr1:22,089,963, plus strand): 5'-AACCTGGCTGCTATTCTCTCTCCTCCCCTCTGTCTTGTAGAGAGGTCTGAAGAATGTGTT[T>A]GATGAGGCTATCCTAGCTGCCCTCGAGCCTCCGGAAACTCAACCCAAAAGGAAGTGCTGT-3'

ClinVar aggregate classification (germline): Uncertain significance (1 of 4 stars; one submission).

Conditions:
Takenouchi-Kosaki syndrome. Also called: Macrothrombocytopenia-lymphedema-developmental delay-facial dysmorphism-camptodactyly syndrome; MACROTHROMBOCYTOPENIA AND MENTAL RETARDATION SYNDROME. Identifiers: Orphanet 487796, MedGen C4225222, MONDO:0014757, OMIM 616737.

Submission:

Neuberg Centre For Genomic Medicine, NCGM
Classification: Uncertain significance for Takenouchi-Kosaki syndrome. Review status: criteria provided, single submitter. Criteria: ACMG Guidelines, 2015. Collection method: clinical testing. Allele origin: germline. Inheritance: Autosomal dominant inheritance. Affected: yes.
Comment: The missense variant c.507T>A (p.Phe169Leu) in CDC42 gene has not been reported previously as a pathogenic variant nor as a benign variant, to our knowledge. This variant is novel (not in any individuals) in gnomAD Exomes and 1000 Genomes. The amino acid Phenylalanine at position 169 is changed to a Leucine changing protein sequence and it might alter its composition and physico-chemical properties. The variant is predicted to be damaging by both SIFT and PolyPhen2. The residue is conserved across species. For these reasons, this variant has been classified as Uncertain Significance.